The following is an entry in ClinVar:

ClinVar aggregate classification (germline): Uncertain significance. Review status: criteria provided, multiple submitters, no conflicts (2 of 4 stars). 3 submissions from 3 submitters: Uncertain significance (3). Last evaluated 2023-04-11.

Conditions:
Inborn genetic diseases. Identifiers: MedGen C0950123, MeSH D030342.
Developmental and epileptic encephalopathy, 18 (DEE18). Also called: Early infantile epileptic encephalopathy 18. Identifiers: Orphanet 369894, MedGen C3809624, MONDO:0014201, OMIM 615476.

Allele frequency attached by ClinVar (database versions not stated): gnomAD 0.00001; gnomAD exomes 0.00001.
gnomAD v4.1: 4 of 1,578,466 alleles (0.00025%); highest among the groups gnomAD compares: South Asian, 0.0023%; no homozygotes.

Submissions (3):

Genome-Nilou Lab
Classification: Uncertain significance for Developmental and epileptic encephalopathy, 18. Last evaluated: 2023-04-11. Review status: criteria provided, single submitter. Criteria: ACMG Guidelines, 2015. Collection method: clinical testing. Allele origin: germline. Affected: no.

Labcorp Genetics (formerly Invitae), Labcorp
Classification: Uncertain significance. Last evaluated: 2020-05-20. Review status: criteria provided, single submitter. Criteria: Invitae Variant Classification Sherloc (09022015). Collection method: clinical testing. Allele origin: germline.
Comment: This sequence change falls in intron 9 of the SZT2 gene. It does not directly change the encoded amino acid sequence of the SZT2 protein, but it affects a nucleotide within the consensus splice site of the intron. This variant is not present in population databases (ExAC no frequency). This variant has not been reported in the literature in individuals with SZT2-related conditions. Nucleotide substitutions within the consensus splice site are a relatively common cause of aberrant splicing (PMID: 17576681, 9536098). Algorithms developed to predict the effect of sequence changes on RNA splicing suggest that this variant may disrupt the consensus splice site, but this prediction has not been confirmed by published transcriptional studies. In summary, the available evidence is currently insufficient to determine the role of this variant in disease. Therefore, it has been classified as a Variant of Uncertain Significance.

Ambry Genetics
Classification: Uncertain significance for Inborn genetic diseases. Last evaluated: 2018-06-13. Review status: criteria provided, single submitter. Criteria: Ambry Variant Classification Scheme 2023. Collection method: clinical testing. Allele origin: germline.
Comment: The c.1261+4A>G intronic variant results from an A to G substitution 4 nucleotides after coding exon 9 in the SZT2 gene. This nucleotide position is well conserved in available vertebrate species. This alteration is predicted to slightly decrease the efficiency of the native splice donor site by the BDGP and ESEfinder in silico models; however experimental evidence is not currently available. Since supporting evidence is limited at this time, the clinical significance of this alteration remains unclear.

Literature cited by the submitters: PubMed 17576681 (cited by Labcorp Genetics (formerly Invitae), Labcorp); PubMed 9536098 (cited by Labcorp Genetics (formerly Invitae), Labcorp).

NM_001365999.1(SZT2):c.1261+4A>G

Gene: SZT2 (SZT2 subunit of KICSTOR complex; plus strand). Cytogenetic location: 1p34.2.
Variant type: single nucleotide variant.
Coding change: c.1261+4A>G on transcript NM_001365999.1 (MANE Select); 4 bases into the intron after coding-DNA position 1261, A replaced by G.
Molecular consequence: intron variant.
Genome position (GRCh38, 1-based): chr1:43,420,327, A>G. VCF-style: chr1-43420327-A-G. GRCh37 (hg19) VCF-style: chr1-43885998-A-G.
Other names: c.1261+4A>G (NM_015284.4).
Identifiers: ClinVar variation 1040837 (VCV001040837.5), dbSNP rs1300743804, ClinGen allele CA522507198.
Genomic context (GRCh38, chr1:43,420,327, plus strand): 5'-CTGTGTCCGTACGGCTTCGAGAGGGCTACAGTGTCCGAGAGGTCACACTGGCCAAAGGTA[A>G]GGGTCATTAGGCCCTGCTGTAATCCCATAGATCTCTCAAGAATTTGTGTGTGGGAAGACC-3'